The following is an entry in ClinVar:

NM_015189.3(EXOC6B):c.1801-2A>G

Gene: EXOC6B (exocyst complex component 6B; minus strand). Cytogenetic location: 2p13.2.
Variant type: single nucleotide variant.
Coding change: c.1801-2A>G on transcript NM_015189.3 (MANE Select); the canonical splice acceptor site of the intron before coding-DNA position 1801, A replaced by G.
Molecular consequence: splice acceptor variant.
Genome position (GRCh38, 1-based): chr2:72,465,341, T>C on the plus strand (A>G on the coding strand, the complement: EXOC6B is on the minus strand). VCF-style: chr2-72465341-T-C. GRCh37 (hg19) VCF-style: chr2-72692470-T-C.
Other names: c.1462-2A>G (NM_001321734.2); c.1666-2A>G (NM_001321733.2, NM_001321730.2); c.1801-2A>G (NM_001321729.2, NM_001321731.2).
Identifiers: ClinVar variation 521377 (VCV000521377.6), dbSNP rs1553417206, ClinGen allele CA347430672.

ClinVar aggregate classification (germline): Conflicting classifications of pathogenicity. Review status: criteria provided, conflicting classifications (1 of 4 stars). 2 submissions from 2 submitters: Likely pathogenic (1); Uncertain significance (1). Last evaluated 2025-03-06.

gnomAD v4.1: 1 of 1,564,954 alleles (0.000064%); highest among the groups gnomAD compares: South Asian, 0.0012%; no homozygotes.

Submissions (2):

Ambry Genetics
Classification: Likely pathogenic. Last evaluated: 2025-03-06. Review status: criteria provided, single submitter. Criteria: Ambry Variant Classification Scheme 2023. Collection method: clinical testing. Allele origin: germline.
Comment: The c.1801-2A>G intronic variant results from an A to G substitution two nucleotides before coding exon 18 of the EXOC6B gene. Alterations that disrupt the canonical splice site are expected to cause aberrant splicing, resulting in an abnormal protein or a transcript that is subject to nonsense-mediated mRNA decay. This variant was not reported in population-based cohorts in the Genome Aggregation Database (gnomAD). This nucleotide position is highly conserved in available vertebrate species. In silico splice site analysis predicts that this alteration will weaken the native splice acceptor site and will result in the creation or strengthening of a novel splice acceptor site. Based on the available evidence, this alteration is classified as likely pathogenic.

GeneDx
Classification: Uncertain significance. Last evaluated: 2023-12-25. Review status: criteria provided, single submitter. Criteria: GeneDx Variant Classification Process June 2021. Collection method: clinical testing. Allele origin: germline. Affected: yes.
Comment: Not observed at significant frequency in large population cohorts (gnomAD); Canonical splice site variant in a gene or region of a gene for which loss of function is not a well-established mechanism of disease; Has not been previously published as pathogenic or benign to our knowledge